The following is an entry in ClinVar:

NM_001367624.2(ZNF469):c.1475G>A (p.Arg492Gln)

Gene: ZNF469 (zinc finger protein 469; plus strand). Cytogenetic location: 16q24.2.
Variant type: single nucleotide variant.
Coding change: c.1475G>A on transcript NM_001367624.2 (MANE Select); coding-DNA position 1475, G replaced by A.
Protein change: p.Arg492Gln; replaces arginine 492 with glutamine.
Molecular consequence: missense variant.
Genome position (GRCh38, 1-based): chr16:88,428,945, G>A. VCF-style: chr16-88428945-G-A. GRCh37 (hg19) VCF-style: chr16-88495353-G-A.
Other names: NM_001127464.1:c.1475G>A; NM_001127464.2:c.1475G>A; p.Arg492Gln; short protein forms R492Q.
Identifiers: ClinVar variation 808122 (VCV000808122.51), dbSNP rs919081661, ClinGen allele CA286372773.

ClinVar aggregate classification (germline): Uncertain significance. Review status: criteria provided, multiple submitters, no conflicts (2 of 4 stars). 7 submissions from 7 submitters: Uncertain significance (7). Last evaluated 2026-09-01.

Conditions:
ZNF469-related disorder. Also called: ZNF469-related condition.
Ehlers-Danlos syndrome (EDS). Identifiers: Orphanet 98249, MedGen C0013720, MONDO:0020066.
Brittle cornea syndrome 1 (BCS1). Also called: CORNEAL FRAGILITY, KERATOGLOBUS, BLUE SCLERAE, JOINT HYPEREXTENSIBILITY; EDS6B; FRAGILITAS OCULI WITH JOINT HYPEREXTENSIBILITY; DYSGENESIS MESODERMALIS CORNEAE ET SCLERAE; Corneal fragility keratoglobus, blue sclerae AND joint hypermobility. Identifiers: Orphanet 90354, MedGen C0268344, MONDO:0024543, OMIM 229200.
Cardiovascular phenotype. Identifiers: MedGen CN230736.

Allele frequency attached by ClinVar (database versions not stated): gnomAD 0.00001 and 0.00002; TOPMed 0.00005; gnomAD exomes 0.00007.

Submissions (7):

PreventionGenetics, part of Exact Sciences
Classification: Uncertain significance for ZNF469-related condition. Last evaluated: 2026-09-01. Review status: criteria provided, single submitter. Criteria: ACMG Guidelines, 2015. Collection method: clinical testing. Allele origin: germline.
Comment: The ZNF469 c.1475G>A variant is predicted to result in the amino acid substitution p.Arg492Gln. This variant was reported in an individual with keratoconus, however second variant was not detected (Table 3, González-Atienza et al. 2023. PubMed ID: 37895187). This variant is reported in 0.017% of alleles in individuals of European (Non-Finnish) descent in gnomAD. At this time, the clinical significance of this variant is uncertain due to the absence of conclusive functional and genetic evidence.

Mayo Clinic Laboratories, Mayo Clinic
Classification: Uncertain significance. Last evaluated: 2025-07-18. Review status: criteria provided, single submitter. Criteria: ACMG Guidelines, 2015. Collection method: clinical testing. Allele origin: germline. Observed: 1 variant allele.
Comment: BP4_moderate

Fulgent Genetics
Classification: Uncertain significance for Brittle cornea syndrome 1. Last evaluated: 2024-05-20. Review status: criteria provided, single submitter. Criteria: ACMG Guidelines, 2015. Collection method: clinical testing. Allele origin: germline.

Ambry Genetics
Classification: Uncertain significance for Cardiovascular phenotype. Last evaluated: 2023-11-01. Review status: criteria provided, single submitter. Criteria: Ambry Variant Classification Scheme 2023. Collection method: clinical testing. Allele origin: germline.
Comment: The p.R492Q variant (also known as c.1475G>A), located in coding exon 1 of the ZNF469 gene, results from a G to A substitution at nucleotide position 1475. The arginine at codon 492 is replaced by glutamine, an amino acid with highly similar properties. This amino acid position is conserved. In addition, this alteration is predicted to be tolerated by in silico analysis. Since supporting evidence is limited at this time, the clinical significance of this alteration remains unclear.

GeneDx
Classification: Uncertain significance. Last evaluated: 2020-09-25. Review status: criteria provided, single submitter. Criteria: GeneDx Variant Classification Process June 2021. Collection method: clinical testing. Allele origin: germline. Affected: yes.
Comment: Has not been previously published as pathogenic or benign to our knowledge; In silico analysis supports that this missense variant does not alter protein structure/function

Genome Diagnostics Laboratory, The Hospital for Sick Children
Classification: Uncertain significance for Ehlers-Danlos syndrome. Last evaluated: 2019-10-01. Review status: criteria provided, single submitter. Criteria: ACMG Guidelines, 2015. Collection method: clinical testing. Allele origin: germline.

CeGaT Center for Human Genetics Tuebingen
Classification: Uncertain significance. Last evaluated: 2019-02-01. Review status: criteria provided, single submitter. Criteria: CeGaT Center For Human Genetics Tuebingen Variant Classification Criteria Version 2. Collection method: clinical testing. Allele origin: germline. Affected: yes. Observed: 1 variant allele.